The following is an entry in ClinVar:

NM_147127.5(EVC2):c.706+300G>A

Gene: EVC2 (EvC ciliary complex subunit 2; minus strand). Cytogenetic location: 4p16.2.
Variant type: single nucleotide variant.
Coding change: c.706+300G>A on transcript NM_147127.5 (MANE Select); 300 bases into the intron after coding-DNA position 706, G replaced by A.
Molecular consequence: intron variant.
Genome position (GRCh38, 1-based): chr4:5,688,857, C>T on the plus strand (G>A on the coding strand, the complement: EVC2 is on the minus strand). VCF-style: chr4-5688857-C-T. GRCh37 (hg19) VCF-style: chr4-5690584-C-T.
Other names: c.466+300G>A (NM_001166136.2).
Identifiers: ClinVar variation 667864 (VCV000667864.1), dbSNP rs67064159, ClinGen allele CA91714115.

ClinVar aggregate classification (germline): Benign (1 of 4 stars; one submission).

Allele frequency attached by ClinVar (database versions not stated): 1000 Genomes Project 0.22005; 1000 Genomes Project 30x 0.22814; TOPMed 0.27766; gnomAD 0.28070 and 0.28939.
gnomAD v4.1: 42,719 of 152,066 alleles (28%); highest among the groups gnomAD compares: African/African-American, 34%; 6,251 homozygotes.

Submission:

GeneDx
Classification: Benign. Last evaluated: 2018-06-17. Review status: criteria provided, single submitter. Criteria: GeneDx Variant Classification (06012015). Collection method: clinical testing. Allele origin: germline. Affected: yes.
Comment: This variant is considered likely benign or benign based on one or more of the following criteria: it is a conservative change, it occurs at a poorly conserved position in the protein, it is predicted to be benign by multiple in silico algorithms, and/or has population frequency not consistent with disease.